The following is an entry in ClinVar:

ClinVar aggregate classification (germline): Uncertain significance. Review status: criteria provided, single submitter (1 of 4 stars). 2 submissions from 2 submitters: Uncertain significance (1). 1 of the submissions does not count toward it. Last evaluated 2025-01-27.

Conditions:
Glycine encephalopathy. Also called: Non-ketotic hyperglycinemia; Nonketotic hyperglycinemia. Identifiers: Orphanet 407, MedGen C0751748, MONDO:0011612, HP:0008288.

Allele frequency attached by ClinVar (database versions not stated): gnomAD 0.00001 and 0.00003; TOPMed 0.00001; gnomAD exomes 0.00005; ExAC 0.00007; 1000 Genomes Project 0.00020; 1000 Genomes Project 30x 0.00031.

Submissions (2):

Labcorp Genetics (formerly Invitae), Labcorp
Classification: Uncertain significance for Glycine encephalopathy. Last evaluated: 2025-01-27. Review status: criteria provided, single submitter. Criteria: Invitae Variant Classification Sherloc (09022015). Collection method: clinical testing. Allele origin: germline.
Comment: This sequence change replaces cysteine, which is neutral and slightly polar, with tyrosine, which is neutral and polar, at codon 138 of the GCSH protein (p.Cys138Tyr). This variant is present in population databases (rs540817676, gnomAD 0.008%). This variant has not been reported in the literature in individuals affected with GCSH-related conditions. ClinVar contains an entry for this variant (Variation ID: 592106). An algorithm developed to predict the effect of missense changes on protein structure and function (PolyPhen-2) suggests that this variant is likely to be disruptive. In summary, the available evidence is currently insufficient to determine the role of this variant in disease. Therefore, it has been classified as a Variant of Uncertain Significance.

Biochemical Molecular Genetic Laboratory, King Abdulaziz Medical City
Classification: Uncertain significance for Glycine encephalopathy 1. Last evaluated: 2018-05-25. Review status: no assertion criteria provided. Collection method: clinical testing. Allele origin: germline. Affected: yes. Not counted in ClinVar's aggregate classification.

NM_004483.5(GCSH):c.413G>A (p.Cys138Tyr)

Gene: GCSH (glycine cleavage system protein H; minus strand). Cytogenetic location: 16q23.2.
Variant type: single nucleotide variant.
Coding change: c.413G>A on transcript NM_004483.5 (MANE Select); coding-DNA position 413, G replaced by A.
Protein change: p.Cys138Tyr; replaces cysteine 138 with tyrosine.
Molecular consequence: missense variant. On other transcripts: non-coding transcript variant (1).
Genome position (GRCh38, 1-based): chr16:81,084,474, C>T on the plus strand (G>A on the coding strand, the complement: GCSH is on the minus strand). VCF-style: chr16-81084474-C-T. GRCh37 (hg19) VCF-style: chr16-81118079-C-T.
Other names: short protein forms C138Y.
Identifiers: ClinVar variation 592106 (VCV000592106.11), dbSNP rs540817676, ClinGen allele CA8186729.